The following is an entry in ClinVar:

ClinVar aggregate classification (germline): Benign/Likely benign. Review status: criteria provided, multiple submitters, no conflicts (2 of 4 stars). 4 submissions from 4 submitters: Benign (2); Likely benign (1). 1 of the submissions does not count toward it. Last evaluated 2022-04-05.

Conditions:
TLR2-related disorder. Also called: TLR2-related condition.
Mycobacterium tuberculosis, susceptibility to. Identifiers: MedGen C1834752, OMIM 607948.
Colorectal cancer. Also called: Colorectal cancer, somatic; Malignant Colorectal Neoplasm. Identifiers: MedGen C0346629, MONDO:0005575, OMIM 114500.
Leprosy, susceptibility to, 3. Identifiers: Orphanet 548, MedGen C1968668, MONDO:0009518, OMIM 246300.

Allele frequency attached by ClinVar (database versions not stated): gnomAD exomes 0.00214; ExAC 0.00269; 1000 Genomes Project 30x 0.00718; 1000 Genomes Project 0.00739; gnomAD 0.00925 and 0.01010; TOPMed 0.00980; ESP Exome Variant Server 0.01146.
gnomAD v4.1: 2,655 of 1,613,912 alleles (0.16%); highest among the groups gnomAD compares: African/African-American, 3.2%; 30 homozygotes.

Submissions (4):

Fulgent Genetics
Classification: Likely benign for Colorectal cancer; Leprosy, susceptibility to, 3; Mycobacterium tuberculosis, susceptibility to. Last evaluated: 2022-04-05. Review status: criteria provided, single submitter. Criteria: ACMG Guidelines, 2015. Collection method: clinical testing. Allele origin: unknown.

Labcorp Genetics (formerly Invitae), Labcorp
Classification: Benign. Last evaluated: 2018-08-16. Review status: criteria provided, single submitter. Criteria: Invitae Variant Classification Sherloc (09022015). Collection method: clinical testing. Allele origin: germline.

Breakthrough Genomics
Classification: Benign. Review status: criteria provided, single submitter. Criteria: ACMG Guidelines, 2015. Collection method: not provided. Allele origin: germline. Inheritance: Autosomal dominant inheritance. Affected: yes.

PreventionGenetics, part of Exact Sciences
Classification: Benign for TLR2-related condition. Last evaluated: 2020-02-19. Review status: no assertion criteria provided. Collection method: clinical testing. Allele origin: germline. Not counted in ClinVar's aggregate classification.
Comment: This variant is classified as benign based on ACMG/AMP sequence variant interpretation guidelines (Richards et al. 2015 PMID: 25741868, with internal and published modifications).

NM_001318789.2(TLR2):c.1626C>G (p.Leu542=)

Gene: TLR2 (toll like receptor 2; plus strand). Cytogenetic location: 4q31.3.
Variant type: single nucleotide variant.
Coding change: c.1626C>G on transcript NM_001318789.2 (MANE Select); coding-DNA position 1626, C replaced by G.
Protein change: p.Leu542=; no amino-acid change (leucine 542 retained).
Molecular consequence: synonymous variant.
Genome position (GRCh38, 1-based): chr4:153,704,533, C>G. VCF-style: chr4-153704533-C-G. GRCh37 (hg19) VCF-style: chr4-154625685-C-G.
Other names: c.1626C>G, p.Leu542= (NM_001318787.2, NM_001318790.2, NM_001318791.2 and 4 more transcripts).
Identifiers: ClinVar variation 776023 (VCV000776023.7), dbSNP rs5743701, ClinGen allele CA3110922.
Genomic context (GRCh38, chr4:153,704,533, plus strand): 5'-TCACACACTGAAGACTTTGGAAGCTGGTGGCAATAACTTCATTTGCTCCTGTGAATTCCT[C>G]TCCTTCACTCAGGAGCAGCAAGCACTGGCCAAAGTCTTGATTGATTGGCCAGCAAATTAC-3'
Protein context (NP_001305718.1, residues 532-552): GNNFICSCEF[Leu542=]SFTQEQQALA